The following is an entry in ClinVar:

NM_005245.4(FAT1):c.4614T>C (p.Asp1538=)

Gene: FAT1 (FAT atypical cadherin 1; minus strand). Cytogenetic location: 4q35.2.
Variant type: single nucleotide variant.
Coding change: c.4614T>C on transcript NM_005245.4 (MANE Select); coding-DNA position 4614, T replaced by C.
Protein change: p.Asp1538=; no amino-acid change (aspartic acid 1538 retained).
Molecular consequence: synonymous variant.
Genome position (GRCh38, 1-based): chr4:186,628,350, A>G on the plus strand (T>C on the coding strand, the complement: FAT1 is on the minus strand). VCF-style: chr4-186628350-A-G. GRCh37 (hg19) VCF-style: chr4-187549504-A-G.
Identifiers: ClinVar variation 3037642 (VCV003037642.5), dbSNP rs368005557, ClinGen allele CA3166654.

ClinVar aggregate classification (germline): Likely benign. Review status: criteria provided, multiple submitters, no conflicts (2 of 4 stars). 3 submissions from 3 submitters: Likely benign (2). 1 of the submissions does not count toward it. Last evaluated 2024-12-18.

Conditions:
FAT1-related disorder. Also called: FAT1-related condition.

Allele frequency attached by ClinVar (database versions not stated): gnomAD exomes 0.00004; ExAC 0.00007; ESP Exome Variant Server 0.00008.
gnomAD v4.1: 64 of 1,612,718 alleles (0.004%); highest among the groups gnomAD compares: Non-Finnish European, 0.0053%; no homozygotes.

Submissions (3):

Labcorp Genetics (formerly Invitae), Labcorp
Classification: Likely benign. Last evaluated: 2024-12-18. Review status: criteria provided, single submitter. Criteria: Invitae Variant Classification Sherloc (09022015). Collection method: clinical testing. Allele origin: germline.

Blueprint Genetics
Classification: Likely benign. Last evaluated: 2024-11-01. Review status: criteria provided, single submitter. Criteria: ACMG Guidelines, 2015. Collection method: clinical testing. Allele origin: germline.

PreventionGenetics, part of Exact Sciences
Classification: Likely benign for FAT1-related condition. Last evaluated: 2019-05-03. Review status: no assertion criteria provided. Collection method: clinical testing. Allele origin: germline. Not counted in ClinVar's aggregate classification.
Comment: This variant is classified as likely benign based on ACMG/AMP sequence variant interpretation guidelines (Richards et al. 2015 PMID: 25741868, with internal and published modifications).